The following is an entry in ClinVar:

ClinVar aggregate classification (germline): Likely benign. Review status: criteria provided, multiple submitters, no conflicts (2 of 4 stars). 5 submissions from 5 submitters: Likely benign (5). Last evaluated 2026-01-06.

Conditions:
Hereditary cancer-predisposing syndrome. Also called: Tumor predisposition; Hereditary Cancer Syndrome; Neoplastic Syndromes, Hereditary; Hereditary neoplastic syndrome. Identifiers: Orphanet 140162, MedGen C0027672, MeSH D009386, MONDO:0015356.
Gorlin syndrome. Also called: Nevoid Basal Cell Carcinoma Syndrome; Basal cell nevus syndrome. Identifiers: Orphanet 377, MedGen C0004779, MONDO:0007187.

Allele frequency attached by ClinVar (database versions not stated): TOPMed 0.00003; ExAC 0.00004; gnomAD 0.00004; gnomAD exomes 0.00005.
gnomAD v4.1: 56 of 1,614,102 alleles (0.0035%); highest among the groups gnomAD compares: Admixed American, 0.012%; no homozygotes.

Submissions (5):

Labcorp Genetics (formerly Invitae), Labcorp
Classification: Likely benign for Gorlin syndrome. Last evaluated: 2026-01-06. Review status: criteria provided, single submitter. Criteria: Invitae Variant Classification Sherloc (09022015). Collection method: clinical testing. Allele origin: germline.

CeGaT Center for Human Genetics Tuebingen
Classification: Likely benign. Last evaluated: 2025-12-01. Review status: criteria provided, single submitter. Criteria: CeGaT Center For Human Genetics Tuebingen Variant Classification Criteria Version 2. Collection method: clinical testing. Allele origin: germline. Affected: yes. Observed: 1 variant allele.
Comment: PTCH1: BP4, BP7

Blueprint Genetics
Classification: Likely benign. Last evaluated: 2023-08-31. Review status: criteria provided, single submitter. Criteria: ACMG Guidelines, 2015. Collection method: clinical testing. Allele origin: germline.

Sema4
Classification: Likely benign for Hereditary cancer-predisposing syndrome. Last evaluated: 2020-11-10. Review status: criteria provided, single submitter. Criteria: Sema4 Curation Guidelines. Collection method: curation. Allele origin: germline.

Ambry Genetics
Classification: Likely benign for Hereditary cancer-predisposing syndrome. Last evaluated: 2018-11-06. Review status: criteria provided, single submitter. Criteria: Ambry Variant Classification Scheme 2023. Collection method: clinical testing. Allele origin: germline.

NM_000264.5(PTCH1):c.4275G>A (p.Ser1425=)

Gene: PTCH1 (patched 1; minus strand). Cytogenetic location: 9q22.32.
Variant type: single nucleotide variant.
Coding change: c.4275G>A on transcript NM_000264.5 (MANE Select); coding-DNA position 4275, G replaced by A.
Protein change: p.Ser1425=; no amino-acid change (serine 1425 retained).
Molecular consequence: synonymous variant. On other transcripts: non-coding transcript variant (1).
Genome position (GRCh38, 1-based): chr9:95,446,981, C>T on the plus strand (G>A on the coding strand, the complement: PTCH1 is on the minus strand). VCF-style: chr9-95446981-C-T. GRCh37 (hg19) VCF-style: chr9-98209263-C-T.
Other names: c.4077G>A, p.Ser1359= (NM_001083602.3); c.4272G>A, p.Ser1424= (NM_001083603.3); c.3822G>A, p.Ser1274= (NM_001083604.3, NM_001083605.3, NM_001083606.3 and 1 more transcripts); c.4119G>A, p.Ser1373= (NM_001354918.2).
Identifiers: ClinVar variation 237499 (VCV000237499.23), dbSNP rs756270271, ClinGen allele CA5137909.